The following is an entry in ClinVar:

NM_001308093.3(GATA4):c.1099A>G (p.Thr367Ala)

Gene: GATA4 (GATA binding protein 4). Cytogenetic location: 8p23.1.
Variant type: single nucleotide variant.
Coding change: c.1099A>G on transcript NM_001308093.3 (MANE Select); coding-DNA position 1099, A replaced by G.
Protein change: p.Thr367Ala; replaces threonine 367 with alanine.
Molecular consequence: missense variant.
Genome position (GRCh38, 1-based): chr8:11,757,033, A>G. VCF-style: chr8-11757033-A-G. GRCh37 (hg19) VCF-style: chr8-11614542-A-G.
Other names: c.478A>G, p.Thr160Ala (NM_001308094.2, NM_001374273.1); c.352A>G, p.Thr118Ala (NM_001374274.1); c.1096A>G, p.Thr366Ala (NM_002052.5); short protein forms T118A, T160A, T366A, T367A.
Identifiers: ClinVar variation 3627139 (VCV003627139.2).
Genomic context (GRCh38, chr8:11,757,033, plus strand): 5'-GCTTCCAGCAACTCCAGCAACGCCACCACCAGCAGCAGCGAGGAGATGCGTCCCATCAAG[A>G]CGGAGCCTGGCCTGTCATCTCACTACGGGCACAGCAGCTCCGTGTCCCAGGTACGCGCCA-3'
Protein context (NP_001295022.1, residues 357-377): SSSEEMRPIK[Thr367Ala]EPGLSSHYGH

ClinVar aggregate classification (germline): Uncertain significance (1 of 4 stars; one submission).

Conditions:
Atrioventricular septal defect 4 (AVSD4). Identifiers: MedGen C3280781, MONDO:0013747, OMIM 614430.

gnomAD v4.1: 12 of 1,614,160 alleles (0.00074%); highest among the groups gnomAD compares: Non-Finnish European, 0.001%; no homozygotes.

Submission:

Labcorp Genetics (formerly Invitae), Labcorp
Classification: Uncertain significance for Atrioventricular septal defect 4. Last evaluated: 2024-10-20. Review status: criteria provided, single submitter. Criteria: Invitae Variant Classification Sherloc (09022015). Collection method: clinical testing. Allele origin: germline.
Comment: This sequence change replaces threonine, which is neutral and polar, with alanine, which is neutral and non-polar, at codon 366 of the GATA4 protein (p.Thr366Ala). This variant is not present in population databases (gnomAD no frequency). This variant has not been reported in the literature in individuals affected with GATA4-related conditions. Invitae Evidence Modeling of protein sequence and biophysical properties (such as structural, functional, and spatial information, amino acid conservation, physicochemical variation, residue mobility, and thermodynamic stability) indicates that this missense variant is not expected to disrupt GATA4 protein function with a negative predictive value of 95%. In summary, the available evidence is currently insufficient to determine the role of this variant in disease. Therefore, it has been classified as a Variant of Uncertain Significance.